The following is an entry in ClinVar:

NM_002439.5(MSH3):c.1930del (p.Thr644fs)

Gene: MSH3 (mutS homolog 3; plus strand). Cytogenetic location: 5q14.1.
Variant type: Deletion.
Coding change: c.1930del on transcript NM_002439.5 (MANE Select); coding-DNA position 1930, one base deleted (A; older notation c.1930delA).
Protein change: p.Thr644fs; shifts the reading frame from threonine 644.
Molecular consequence: frameshift variant.
Genome position (GRCh38, 1-based): chr5:80,767,966, A deleted; the last of 4 consecutive A bases (chr5:80,767,963-80,767,966); deleting any one gives the same sequence. VCF-style (leftmost placement, unchanged base first): chr5-80767962-CA-C. GRCh37 (hg19) VCF-style: chr5-80063781-CA-C.
Other names: short protein forms T644fs.
Identifiers: ClinVar variation 3726841 (VCV003726841.2).

ClinVar aggregate classification (germline): Pathogenic (1 of 4 stars; one submission).

Submission:

Labcorp Genetics (formerly Invitae), Labcorp
Classification: Pathogenic. Last evaluated: 2024-12-08. Review status: criteria provided, single submitter. Criteria: Invitae Variant Classification Sherloc (09022015). Collection method: clinical testing. Allele origin: germline.
Comment: This sequence change creates a premature translational stop signal (p.Thr644Leufs*5) in the MSH3 gene. It is expected to result in an absent or disrupted protein product. Loss-of-function variants in MSH3 are known to be pathogenic (PMID: 27476653, 37402566). This variant is not present in population databases (gnomAD no frequency). This variant has not been reported in the literature in individuals affected with MSH3-related conditions. For these reasons, this variant has been classified as Pathogenic.

Literature cited by the submitters: PubMed 27476653; PubMed 37402566.